The following is an entry in ClinVar:

NM_002906.4(RDX):c.1606G>A (p.Ala536Thr)

Gene: RDX (radixin; minus strand). Cytogenetic location: 11q22.3.
Variant type: single nucleotide variant.
Coding change: c.1606G>A on transcript NM_002906.4 (MANE Select); coding-DNA position 1606, G replaced by A.
Protein change: p.Ala536Thr; replaces alanine 536 with threonine.
Molecular consequence: missense variant. On other transcripts: intron variant (1).
Genome position (GRCh38, 1-based): chr11:110,232,015, C>T on the plus strand (G>A on the coding strand, the complement: RDX is on the minus strand). VCF-style: chr11-110232015-C-T. GRCh37 (hg19) VCF-style: chr11-110102740-C-T.
Other names: c.1606G>A, p.Ala536Thr (NM_001260492.2, NM_001260493.2, NM_001440505.1 and 3 more transcripts); c.1198G>A, p.Ala400Thr (NM_001260494.2); c.565G>A, p.Ala189Thr (NM_001260495.2); c.1792G>A, p.Ala598Thr (NM_001440509.1); c.1573G>A, p.Ala525Thr (NM_001440510.1, NM_001440511.1, NM_001440513.1 and 2 more transcripts); c.1627G>A, p.Ala543Thr (NM_001440512.1); c.1522G>A, p.Ala508Thr (NM_001440516.1); c.1510G>A, p.Ala504Thr (NM_001440517.1); and 1 more; short protein forms A508T, A598T, A504T, A543T, A189T, A400T, A525T, A536T.
Identifiers: ClinVar variation 4987743 (VCV004987743.1).

ClinVar aggregate classification (germline): Uncertain significance (1 of 4 stars; one submission).

Conditions:
RDX-related disorder. Also called: RDX-related condition.

gnomAD v4.1: 5 of 1,613,576 alleles (0.00031%); highest among the groups gnomAD compares: Admixed American, 0.005%; no homozygotes.

Submission:

PreventionGenetics, part of Exact Sciences
Classification: Uncertain significance for RDX-related condition. Last evaluated: 2026-04-07. Review status: criteria provided, single submitter. Criteria: ACMG Guidelines, 2015. Collection method: clinical testing. Allele origin: germline.
Comment: The RDX c.1606G>A variant is predicted to result in the amino acid substitution p.Ala536Thr. To our knowledge, this variant has not been reported in the literature. This variant is reported in 0.0029% of alleles in individuals of Latino descent in gnomAD. At this time, the clinical significance of this variant is uncertain due to the absence of conclusive functional and genetic evidence.